The following is an entry in ClinVar:

NM_004260.4(RECQL4):c.1704+3G>T

Gene: RECQL4 (RecQ like helicase 4; minus strand). Cytogenetic location: 8q24.3.
Variant type: single nucleotide variant.
Coding change: c.1704+3G>T on transcript NM_004260.4 (MANE Select); 3 bases into the intron after coding-DNA position 1704, G replaced by T.
Molecular consequence: intron variant.
Genome position (GRCh38, 1-based): chr8:144,514,439, C>A on the plus strand (G>T on the coding strand, the complement: RECQL4 is on the minus strand). VCF-style: chr8-144514439-C-A. GRCh37 (hg19) VCF-style: chr8-145739823-C-A.
Other names: c.1575+3G>T (NM_001413025.1); c.1353+3G>T (NM_001413029.1); c.567+3G>T (NM_001413032.1, NM_001413027.1, NM_001413031.1 and 2 more transcripts); c.633+3G>T (NM_001413035.1, NM_001413040.1, NM_001413021.1 and 7 more transcripts); c.1608+3G>T (NM_001413017.1, NM_001413020.1); c.1674+3G>T (NM_001413039.1); c.1704+3G>T (NM_001413033.1, NM_001413018.1, NM_001413036.1 and 1 more transcripts); c.237+3G>T (NM_001413043.1); and 1 more.
Identifiers: ClinVar variation 3022895 (VCV003022895.3), dbSNP rs1210896009, ClinGen allele CA2740095415.
Genomic context (GRCh38, chr8:144,514,439, plus strand): 5'-CAGAGGCACAGCCCAGGTGCCCGCCCGCTGCCTCCCTCACCCCTAGGCCCATGAGGCCCC[C>A]ACCTTCTGCAGGACAGATTCCCGTTGCTTCCTGGTCATGCCCGAGTGTATGCAGGCCGCC-3'

ClinVar aggregate classification (germline): Uncertain significance (1 of 4 stars; one submission).

Conditions:
Baller-Gerold syndrome (BGS). Also called: CRANIOSYNOSTOSIS WITH RADIAL DEFECTS. Identifiers: Orphanet 1225, MedGen C0265308, MONDO:0009039, OMIM 218600.

Submission:

Labcorp Genetics (formerly Invitae), Labcorp
Classification: Uncertain significance for Baller-Gerold syndrome. Last evaluated: 2023-03-17. Review status: criteria provided, single submitter. Criteria: Invitae Variant Classification Sherloc (09022015). Collection method: clinical testing. Allele origin: germline.
Comment: In summary, the available evidence is currently insufficient to determine the role of this variant in disease. Therefore, it has been classified as a Variant of Uncertain Significance. Variants that disrupt the consensus splice site are a relatively common cause of aberrant splicing (PMID: 17576681, 9536098). Algorithms developed to predict the effect of sequence changes on RNA splicing suggest that this variant is not likely to affect RNA splicing. This variant has not been reported in the literature in individuals affected with RECQL4-related conditions. This variant is not present in population databases (gnomAD no frequency). This sequence change falls in intron 10 of the RECQL4 gene. It does not directly change the encoded amino acid sequence of the RECQL4 protein. It affects a nucleotide within the consensus splice site.

Literature cited by the submitters: PubMed 17576681; PubMed 9536098.